The following is an entry in ClinVar:

ClinVar aggregate classification (germline): Uncertain significance. Review status: criteria provided, multiple submitters, no conflicts (2 of 4 stars). 2 submissions from 2 submitters: Uncertain significance (2). Last evaluated 2025-08-10.

Allele frequency attached by ClinVar (database versions not stated): gnomAD exomes below 0.00001.
gnomAD v4.1: 1 of 1,595,014 alleles (0.000063%); highest among the groups gnomAD compares: Non-Finnish European, 0.000085%; no homozygotes.

Submissions (2):

Ambry Genetics
Classification: Uncertain significance. Last evaluated: 2025-08-10. Review status: criteria provided, single submitter. Criteria: Ambry Variant Classification Scheme 2023. Collection method: clinical testing. Allele origin: germline.

Labcorp Genetics (formerly Invitae), Labcorp
Classification: Uncertain significance. Last evaluated: 2020-02-07. Review status: criteria provided, single submitter. Criteria: Invitae Variant Classification Sherloc (09022015). Collection method: clinical testing. Allele origin: germline.
Comment: This sequence change replaces glutamic acid with glutamine at codon 543 of the PLEKHM2 protein (p.Glu543Gln). The glutamic acid residue is moderately conserved and there is a small physicochemical difference between glutamic acid and glutamine. This variant is not present in population databases (ExAC no frequency). This variant has not been reported in the literature in individuals with PLEKHM2-related disease. Algorithms developed to predict the effect of missense changes on protein structure and function (SIFT, PolyPhen-2, Align-GVGD) all suggest that this variant is likely to be tolerated, but these predictions have not been confirmed by published functional studies and their clinical significance is uncertain. In summary, the available evidence is currently insufficient to determine the role of this variant in disease. Therefore, it has been classified as a Variant of Uncertain Significance.

NM_015164.4(PLEKHM2):c.1627G>C (p.Glu543Gln)

Gene: PLEKHM2 (pleckstrin homology and RUN domain containing M2; plus strand). Cytogenetic location: 1p36.21.
Variant type: single nucleotide variant.
Coding change: c.1627G>C on transcript NM_015164.4 (MANE Select); coding-DNA position 1627, G replaced by C.
Protein change: p.Glu543Gln; replaces glutamic acid 543 with glutamine.
Molecular consequence: missense variant.
Genome position (GRCh38, 1-based): chr1:15,727,699, G>C. VCF-style: chr1-15727699-G-C. GRCh37 (hg19) VCF-style: chr1-16054194-G-C.
Other names: short protein forms E543Q.
Identifiers: ClinVar variation 650660 (VCV000650660.9), dbSNP rs1557660279, ClinGen allele CA338587989.
Genomic context (GRCh38, chr1:15,727,699, plus strand): 5'-GAGGCTCAGGAGCTGGAGGCCCAGCTGTCCCTGGTCAGGGAGGGGCCTGTGTCTGAGCCA[G>C]AGCCTGGGACCCAGGAGGTTCTCTGCCAGCTCAAGCGAGACCAGCCCAGCCCGTGTCTGA-3'
Protein context (NP_055979.2, residues 533-553): LVREGPVSEP[Glu543Gln]PGTQEVLCQL